The following is an entry in ClinVar:

ClinVar aggregate classification (germline): Uncertain significance (1 of 4 stars; one submission).

Conditions:
Hyperekplexia 2 (HKPX2). Identifiers: Orphanet 3197, MedGen C3553291, MONDO:0013828, OMIM 614619.

Submission:

Labcorp Genetics (formerly Invitae), Labcorp
Classification: Uncertain significance for Hyperekplexia 2. Last evaluated: 2024-10-23. Review status: criteria provided, single submitter. Criteria: Invitae Variant Classification Sherloc (09022015). Collection method: clinical testing. Allele origin: germline.
Comment: This sequence change replaces glycine, which is neutral and non-polar, with serine, which is neutral and polar, at codon 302 of the GLRB protein (p.Gly302Ser). This variant also falls at the last nucleotide of exon 8, which is part of the consensus splice site for this exon. This variant is not present in population databases (gnomAD no frequency). This variant has not been reported in the literature in individuals affected with GLRB-related conditions. ClinVar contains an entry for this variant (Variation ID: 2000558). An algorithm developed to predict the effect of missense changes on protein structure and function (PolyPhen-2) suggests that this variant is likely to be disruptive. Variants that disrupt the consensus splice site are a relatively common cause of aberrant splicing (PMID: 17576681, 9536098). Algorithms developed to predict the effect of sequence changes on RNA splicing suggest that this variant may disrupt the consensus splice site. In summary, the available evidence is currently insufficient to determine the role of this variant in disease. Therefore, it has been classified as a Variant of Uncertain Significance.

Literature cited by the submitters: PubMed 17576681; PubMed 9536098.

NM_000824.5(GLRB):c.904G>A (p.Gly302Ser)

Gene: GLRB (glycine receptor beta; plus strand). Cytogenetic location: 4q32.1.
Variant type: single nucleotide variant.
Coding change: c.904G>A on transcript NM_000824.5 (MANE Select); coding-DNA position 904, G replaced by A.
Protein change: p.Gly302Ser; replaces glycine 302 with serine.
Molecular consequence: missense variant.
Genome position (GRCh38, 1-based): chr4:157,143,959, G>A. VCF-style: chr4-157143959-G-A. GRCh37 (hg19) VCF-style: chr4-158065111-G-A.
Other names: c.904G>A, p.Gly302Ser (NM_001166060.2, NM_001166061.2); short protein forms G302S.
Identifiers: ClinVar variation 2000558 (VCV002000558.4), dbSNP rs2530083455, ClinGen allele CA358644189.